The following is an entry in ClinVar:

ClinVar aggregate classification (germline): Likely benign (1 of 4 stars; one submission).

Allele frequency attached by ClinVar (database versions not stated): gnomAD exomes below 0.00001; gnomAD 0.00001; TOPMed 0.00001.
gnomAD v4.1: 8 of 1,404,766 alleles (0.00057%); highest among the groups gnomAD compares: Admixed American, 0.018%; no homozygotes.

Submission:

GeneDx
Classification: Likely benign. Last evaluated: 2017-06-14. Review status: criteria provided, single submitter. Criteria: GeneDx Variant Classification (06012015). Collection method: clinical testing. Allele origin: germline. Affected: yes.
Comment: This variant is considered likely benign or benign based on one or more of the following criteria: it is a conservative change, it occurs at a poorly conserved position in the protein, it is predicted to be benign by multiple in silico algorithms, and/or has population frequency not consistent with disease.

NM_213595.4(ISCU):c.-19G>T

Gene: ISCU (iron-sulfur cluster assembly enzyme; plus strand). Cytogenetic location: 12q23.3.
Variant type: single nucleotide variant.
Coding change: c.-19G>T on transcript NM_213595.4 (MANE Select); 19 bases upstream of the start codon, G replaced by T.
Molecular consequence: 5 prime UTR variant. On other transcripts: non-coding transcript variant (1).
Genome position (GRCh38, 1-based): chr12:108,562,604, G>T. VCF-style: chr12-108562604-G-T. GRCh37 (hg19) VCF-style: chr12-108956380-G-T.
Other names: c.-19G>T (NM_001301140.1, NM_001301141.1, NM_001320042.1); c.-190G>T (NM_014301.4).
Identifiers: ClinVar variation 509832 (VCV000509832.1), dbSNP rs1343944229, ClinGen allele CA658797948.